The following is an entry in ClinVar:

NM_000214.3(JAG1):c.807G>A (p.Pro269=)

Gene: JAG1 (jagged canonical Notch ligand 1; minus strand). Cytogenetic location: 20p12.2.
Variant type: single nucleotide variant.
Coding change: c.807G>A on transcript NM_000214.3 (MANE Select); coding-DNA position 807, G replaced by A.
Protein change: p.Pro269=; no amino-acid change (proline 269 retained).
Molecular consequence: synonymous variant.
Genome position (GRCh38, 1-based): chr20:10,652,547, C>T on the plus strand (G>A on the coding strand, the complement: JAG1 is on the minus strand). VCF-style: chr20-10652547-C-T. GRCh37 (hg19) VCF-style: chr20-10633195-C-T.
Identifiers: ClinVar variation 3230629 (VCV003230629.2), dbSNP rs753646278, ClinGen allele CA9765046.

ClinVar aggregate classification (germline): Likely benign. Review status: criteria provided, multiple submitters, no conflicts (2 of 4 stars). 2 submissions from 2 submitters: Likely benign (2). Last evaluated 2026-08-17.

Conditions:
JAG1-related disorder. Also called: JAG1-related condition; JAG1-related disorders.
Cardiovascular phenotype. Identifiers: MedGen CN230736.

Allele frequency attached by ClinVar (database versions not stated): gnomAD 0.00001.
gnomAD v4.1: 18 of 1,613,948 alleles (0.0011%); highest among the groups gnomAD compares: South Asian, 0.0033%; no homozygotes.

Submissions (2):

PreventionGenetics, part of Exact Sciences
Classification: Likely benign for JAG1-related condition. Last evaluated: 2026-08-17. Review status: criteria provided, single submitter. Criteria: ACMG Guidelines, 2015. Collection method: clinical testing. Allele origin: germline.
Comment: This variant is classified as likely benign based on ACMG/AMP sequence variant interpretation guidelines (Richards et al. 2015 PMID: 25741868, with internal and published modifications).

Ambry Genetics
Classification: Likely benign for Cardiovascular phenotype. Last evaluated: 2023-12-14. Review status: criteria provided, single submitter. Criteria: Ambry Variant Classification Scheme 2023. Collection method: clinical testing. Allele origin: germline.